The following is an entry in ClinVar:

ClinVar aggregate classification (germline): Uncertain significance (1 of 4 stars; one submission).

Submission:

GeneDx
Classification: Uncertain significance. Last evaluated: 2025-12-10. Review status: criteria provided, single submitter. Criteria: GeneDx Variant Classification Process June 2021. Collection method: clinical testing. Allele origin: germline. Affected: yes.
Comment: In silico analysis supports that this missense variant has a deleterious effect on protein structure/function; Has not been previously published as pathogenic or benign to our knowledge

NM_004958.4(MTOR):c.3289C>G (p.Leu1097Val)

Gene: MTOR (mechanistic target of rapamycin kinase; minus strand). Cytogenetic location: 1p36.22.
Variant type: single nucleotide variant.
Coding change: c.3289C>G on transcript NM_004958.4 (MANE Select); coding-DNA position 3289, C replaced by G.
Protein change: p.Leu1097Val; replaces leucine 1097 with valine.
Molecular consequence: missense variant.
Genome position (GRCh38, 1-based): chr1:11,212,905, G>C on the plus strand (C>G on the coding strand, the complement: MTOR is on the minus strand). VCF-style: chr1-11212905-G-C. GRCh37 (hg19) VCF-style: chr1-11272962-G-C.
Other names: c.3289C>G, p.Leu1097Val (NM_001386500.1); c.2041C>G, p.Leu681Val (NM_001386501.1); short protein forms L1097V, L681V.
Identifiers: ClinVar variation 3600880 (VCV003600880.2).
Genomic context (GRCh38, chr1:11,212,905, plus strand): 5'-GAGGCAGCAGTAAATGCAGGTAGTCATCCAGGTTGGCGCCAAACAGCTGGATTGCAGCCA[G>C]TAACTGCAAAAGGGAGCAAAAGCATGGTGATGAATAGTCAGGTCCCAAGTATCTAAGGAC-3'
Protein context (NP_004949.1, residues 1087-1107): SPGRIVSIKL[Leu1097Val]AAIQLFGANL